The following is an entry in ClinVar:

ClinVar aggregate classification (germline): Conflicting classifications of pathogenicity. Review status: criteria provided, conflicting classifications (1 of 4 stars). 5 submissions from 5 submitters: Uncertain significance (2); Likely benign (2). 1 of the submissions does not count toward it. Last evaluated 2026-06-01.

Conditions:
Inborn genetic diseases. Identifiers: MedGen C0950123, MeSH D030342.
MCM3AP-related disorder. Also called: MCM3AP-related condition.

Allele frequency attached by ClinVar (database versions not stated): gnomAD exomes 0.00012 and 0.00027; ExAC 0.00021; ESP Exome Variant Server 0.00023; gnomAD 0.00023 and 0.00024; TOPMed 0.00023.
gnomAD v4.1: 217 of 1,614,122 alleles (0.013%); highest among the groups gnomAD compares: Admixed American, 0.028%; 1 homozygote.

Submissions (5):

CeGaT Center for Human Genetics Tuebingen
Classification: Uncertain significance. Last evaluated: 2026-06-01. Review status: criteria provided, single submitter. Criteria: CeGaT Center For Human Genetics Tuebingen Variant Classification Criteria Version 2. Collection method: clinical testing. Allele origin: germline. Affected: yes. Observed: 1 variant allele.
Comment: MCM3AP: PM2, BP4

Labcorp Genetics (formerly Invitae), Labcorp
Classification: Likely benign. Last evaluated: 2025-11-13. Review status: criteria provided, single submitter. Criteria: Invitae Variant Classification Sherloc (09022015). Collection method: clinical testing. Allele origin: germline.

Women's Health and Genetics/Laboratory Corporation of America, LabCorp
Classification: Likely benign. Last evaluated: 2025-04-02. Review status: criteria provided, single submitter. Criteria: LabCorp Variant Classification Summary - May 2015. Collection method: clinical testing. Allele origin: germline.
Comment: Variant summary: MCM3AP c.82A>C (p.Lys28Gln) results in a conservative amino acid change in the encoded protein sequence. Five of five in-silico tools predict a benign effect of the variant on protein function. The variant allele was found at a frequency of 0.00013 in 1614122 control chromosomes, predominantly at a frequency of 0.0046 within the Ashkenazi Jewish subpopulation in the gnomAD database, including 1 homozygote. The observed variant frequency within Ashkenazi Jewish control individuals in the gnomAD database is approximately 4 fold of the estimated maximal expected allele frequency for a pathogenic variant in MCM3AP causing autosomal recessive Peripheral neuropathy with or without impaired intellectual development phenotype (0.0011). To our knowledge, no occurrence of c.82A>C in individuals affected with Peripheral neuropathy, with or without impaired intellectual development and no experimental evidence demonstrating its impact on protein function have been reported. ClinVar contains an entry for this variant (Variation ID: 1582078). Based on the evidence outlined above, the variant was classified as likely benign.

Ambry Genetics
Classification: Uncertain significance for Inborn genetic diseases. Last evaluated: 2021-07-14. Review status: criteria provided, single submitter. Criteria: Ambry Variant Classification Scheme 2023. Collection method: clinical testing. Allele origin: germline.

PreventionGenetics, part of Exact Sciences
Classification: Likely benign for MCM3AP-related condition. Last evaluated: 2022-03-18. Review status: no assertion criteria provided. Collection method: clinical testing. Allele origin: germline. Not counted in ClinVar's aggregate classification.
Comment: This variant is classified as likely benign based on ACMG/AMP sequence variant interpretation guidelines (Richards et al. 2015 PMID: 25741868, with internal and published modifications).

NM_003906.5(MCM3AP):c.82A>C (p.Lys28Gln)

Gene: MCM3AP (minichromosome maintenance complex component 3 associated protein; minus strand). Cytogenetic location: 21q22.3.
Variant type: single nucleotide variant.
Coding change: c.82A>C on transcript NM_003906.5 (MANE Select); coding-DNA position 82, A replaced by C.
Protein change: p.Lys28Gln; replaces lysine 28 with glutamine.
Molecular consequence: missense variant.
Genome position (GRCh38, 1-based): chr21:46,285,205, T>G on the plus strand (A>C on the coding strand, the complement: MCM3AP is on the minus strand). VCF-style: chr21-46285205-T-G. GRCh37 (hg19) VCF-style: chr21-47705119-T-G.
Other names: c.82A>C (NM_003906.3, NM_003906.4); short protein forms K28Q.
Identifiers: ClinVar variation 1582078 (VCV001582078.15), dbSNP rs149326194, ClinGen allele CA10077425.